The following is an entry in ClinVar:

NM_006767.4(LZTR1):c.1708_1710del (p.Ile570del)

Gene: LZTR1 (leucine zipper like post translational regulator 1; plus strand). Cytogenetic location: 22q11.21.
Variant type: Deletion.
Coding change: c.1708_1710del on transcript NM_006767.4 (MANE Select); coding-DNA positions 1708 to 1710, 3 bases deleted (ATC; older notation c.1708_1710delATC).
Protein change: p.Ile570del; deletes isoleucine 570.
Genome position (GRCh38, 1-based): chr22:20,994,650-20,994,652, ATC deleted; deleting any 3 consecutive bases within chr22:20,994,649-20,994,652 gives the same sequence; the c. name uses the placement nearest the transcript's 3' end. VCF-style (leftmost placement, unchanged base first): chr22-20994648-ACAT-A. GRCh37 (hg19) VCF-style: chr22-21348937-ACAT-A.
Other names: short protein forms I570del.
Identifiers: ClinVar variation 4805952 (VCV004805952.1).
Genomic context (GRCh38, chr22:20,994,648, plus strand): 5'-ATGTGTACAAACTGGCACTGAGCTTCCAGTTGTGCCGCCTGGAGCAGCTGTGCCGCCAGT[ACAT>A]CGAGGCCTCCGTGGACCTGCAGAACGTGCTGGTTGTGTGCGAGAGTGCCGCCCGGCTGCA-3'

ClinVar aggregate classification (germline): Uncertain significance (1 of 4 stars; one submission).

Submission:

Labcorp Genetics (formerly Invitae), Labcorp
Classification: Uncertain significance. Last evaluated: 2025-07-27. Review status: criteria provided, single submitter. Criteria: Invitae Variant Classification Sherloc (09022015). Collection method: clinical testing. Allele origin: germline.
Comment: This variant, c.1708_1710del, results in the deletion of 1 amino acid(s) of the LZTR1 protein (p.Ile570del), but otherwise preserves the integrity of the reading frame. This variant is not present in population databases (gnomAD no frequency). This variant has not been reported in the literature in individuals affected with LZTR1-related conditions. Experimental studies and prediction algorithms are not available or were not evaluated, and the functional significance of this variant is currently unknown. In summary, the available evidence is currently insufficient to determine the role of this variant in disease. Therefore, it has been classified as a Variant of Uncertain Significance.